The following is an entry in ClinVar:

NM_020461.4(TUBGCP6):c.3787C>T (p.Arg1263Trp)

Gene: TUBGCP6 (tubulin gamma complex component 6; minus strand). Cytogenetic location: 22q13.33.
Variant type: single nucleotide variant.
Coding change: c.3787C>T on transcript NM_020461.4 (MANE Select); coding-DNA position 3787, C replaced by T.
Protein change: p.Arg1263Trp; replaces arginine 1263 with tryptophan.
Molecular consequence: missense variant.
Genome position (GRCh38, 1-based): chr22:50,220,572, G>A on the plus strand (C>T on the coding strand, the complement: TUBGCP6 is on the minus strand). VCF-style: chr22-50220572-G-A. GRCh37 (hg19) VCF-style: chr22-50659001-G-A.
Other names: short protein forms R1263W.
Identifiers: ClinVar variation 1903366 (VCV001903366.5), dbSNP rs199577822, ClinGen allele CA325511917.
Genomic context (GRCh38, chr22:50,220,572, plus strand): 5'-AGAGAGCCCCCAGCACCATGTGGGGCGGAGGGATGGGTACATGGGTGTTCCACCGTGGCC[G>A]GGTGGAAACCACATCCGACACAGGCTCCCCCAAGCTGATGCTGGCGTCGGACACGTGTCC-3'
Protein context (NP_065194.3, residues 1253-1273): GEPVSDVVST[Arg1263Trp]PRWNTHVPIP

ClinVar aggregate classification (germline): Uncertain significance (1 of 4 stars; one submission).

Allele frequency attached by ClinVar (database versions not stated): gnomAD exomes 0.00001; TOPMed 0.00001.
gnomAD v4.1: 10 of 1,613,564 alleles (0.00062%); highest among the groups gnomAD compares: African/African-American, 0.0013%; no homozygotes.

Submission:

Labcorp Genetics (formerly Invitae), Labcorp
Classification: Uncertain significance. Last evaluated: 2023-06-17. Review status: criteria provided, single submitter. Criteria: Invitae Variant Classification Sherloc (09022015). Collection method: clinical testing. Allele origin: germline.
Comment: In summary, the available evidence is currently insufficient to determine the role of this variant in disease. Therefore, it has been classified as a Variant of Uncertain Significance. An algorithm developed to predict the effect of missense changes on protein structure and function (PolyPhen-2) suggests that this variant is likely to be tolerated. ClinVar contains an entry for this variant (Variation ID: 1903366). This variant has not been reported in the literature in individuals affected with TUBGCP6-related conditions. This variant is not present in population databases (gnomAD no frequency). This sequence change replaces arginine, which is basic and polar, with tryptophan, which is neutral and slightly polar, at codon 1263 of the TUBGCP6 protein (p.Arg1263Trp).